The following is an entry in ClinVar:

ClinVar aggregate classification (germline): Likely benign (0 of 4 stars; one submission).

Conditions:
UNC13A-related disorder. Also called: UNC13A-related condition.

gnomAD v4.1: 7 of 1,613,742 alleles (0.00043%); highest among the groups gnomAD compares: Non-Finnish European, 0.00059%; no homozygotes.

Submission:

PreventionGenetics, part of Exact Sciences
Classification: Likely benign for UNC13A-related condition. Last evaluated: 2022-08-01. Review status: no assertion criteria provided. Collection method: clinical testing. Allele origin: germline.
Comment: This variant is classified as likely benign based on ACMG/AMP sequence variant interpretation guidelines (Richards et al. 2015 PMID: 25741868, with internal and published modifications).

NM_001080421.3(UNC13A):c.4411-4C>T

Gene: UNC13A (unc-13 homolog A; minus strand). Cytogenetic location: 19p13.11.
Variant type: single nucleotide variant.
Coding change: c.4411-4C>T on transcript NM_001080421.3 (MANE Select); 4 bases into the intron before coding-DNA position 4411, C replaced by T.
Molecular consequence: intron variant.
Genome position (GRCh38, 1-based): chr19:17,617,853, G>A on the plus strand (C>T on the coding strand, the complement: UNC13A is on the minus strand). VCF-style: chr19-17617853-G-A. GRCh37 (hg19) VCF-style: chr19-17728662-G-A.
Other names: c.4396-4C>T (NM_001387022.1); c.4330-4C>T (NM_001387023.1); c.4399-4C>T (NM_001387021.1).
Identifiers: ClinVar variation 3353855 (VCV003353855.1).